The following is an entry in ClinVar:

NM_006005.3(WFS1):c.77G>A (p.Arg26Gln)

Gene: WFS1 (wolframin ER transmembrane glycoprotein; plus strand). Cytogenetic location: 4p16.1.
Variant type: single nucleotide variant.
Coding change: c.77G>A on transcript NM_006005.3 (MANE Select); coding-DNA position 77, G replaced by A.
Protein change: p.Arg26Gln; replaces arginine 26 with glutamine.
Molecular consequence: missense variant.
Genome position (GRCh38, 1-based): chr4:6,277,532, G>A. VCF-style: chr4-6277532-G-A. GRCh37 (hg19) VCF-style: chr4-6279259-G-A.
Other names: c.77G>A, p.Arg26Gln (NM_001145853.1); short protein forms R26Q.
Identifiers: ClinVar variation 1316064 (VCV001316064.15), dbSNP rs551867477, ClinGen allele CA2838792.

ClinVar aggregate classification (germline): Conflicting classifications of pathogenicity. Review status: criteria provided, conflicting classifications (1 of 4 stars). 4 submissions from 4 submitters: Uncertain significance (3); Likely benign (1). Last evaluated 2025-08-14.

Conditions:
Autosomal dominant nonsyndromic hearing loss 6 (LFSNHL). Also called: Autosomal dominant nonsyndromic deafness 6; DEAFNESS, AUTOSOMAL DOMINANT 6; DEAFNESS, AUTOSOMAL DOMINANT 14; DEAFNESS, AUTOSOMAL DOMINANT 38. Identifiers: Orphanet 90635, MedGen C1833021, MONDO:0010963, OMIM 600965.
Type 2 diabetes mellitus. Also called: Type II diabetes mellitus. Identifiers: MedGen C0011860, MeSH D003924, MONDO:0005148, OMIM 125853, HP:0005978.
Cataract 41 (CTRCT41). Also called: CATARACT 41, CONGENITAL NUCLEAR TYPE. Identifiers: Orphanet 91492, Orphanet 98991, Orphanet 98992, Orphanet 98995, MedGen C3805412, MONDO:0007287, OMIM 116400.
Wolfram syndrome 1 (WFS1). Identifiers: Orphanet 3463, MedGen C4551693, MONDO:0009101, OMIM 222300.
Wolfram-like syndrome. Also called: HEARING LOSS, PROGRESSIVE, WITH OPTIC ATROPHY AND/OR IMPAIRED GLUCOSE REGULATION. Identifiers: Orphanet 411590, MedGen C3280358, MONDO:0013673, OMIM 614296.

Allele frequency attached by ClinVar (database versions not stated): gnomAD 0.00001; TOPMed 0.00004; gnomAD exomes 0.00007; ExAC 0.00010.
gnomAD v4.1: 95 of 1,587,814 alleles (0.006%); highest among the groups gnomAD compares: Middle Eastern, 0.033%; no homozygotes.

Submissions (4):

Labcorp Genetics (formerly Invitae), Labcorp
Classification: Uncertain significance. Last evaluated: 2025-08-14. Review status: criteria provided, single submitter. Criteria: Invitae Variant Classification Sherloc (09022015). Collection method: clinical testing. Allele origin: germline.
Comment: This sequence change replaces arginine, which is basic and polar, with glutamine, which is neutral and polar, at codon 26 of the WFS1 protein (p.Arg26Gln). This variant is present in population databases (rs551867477, gnomAD 0.03%). This variant has not been reported in the literature in individuals affected with WFS1-related conditions. ClinVar contains an entry for this variant (Variation ID: 1316064). Invitae Evidence Modeling of protein sequence and biophysical properties (such as structural, functional, and spatial information, amino acid conservation, physicochemical variation, residue mobility, and thermodynamic stability) indicates that this missense variant is not expected to disrupt WFS1 protein function with a negative predictive value of 95%. In summary, the available evidence is currently insufficient to determine the role of this variant in disease. Therefore, it has been classified as a Variant of Uncertain Significance.

Blueprint Genetics
Classification: Likely benign. Last evaluated: 2024-09-12. Review status: criteria provided, single submitter. Criteria: ACMG Guidelines, 2015. Collection method: clinical testing. Allele origin: germline.

GeneDx
Classification: Uncertain significance. Last evaluated: 2023-08-07. Review status: criteria provided, single submitter. Criteria: GeneDx Variant Classification Process June 2021. Collection method: clinical testing. Allele origin: germline. Affected: yes.
Comment: Has not been previously published as pathogenic or benign to our knowledge; In silico analysis, which includes protein predictors and evolutionary conservation, supports that this variant does not alter protein structure/function

Fulgent Genetics
Classification: Uncertain significance for Cataract 41; Type 2 diabetes mellitus; Wolfram syndrome 1; Autosomal dominant nonsyndromic hearing loss 6; Wolfram-like syndrome. Last evaluated: 2021-10-20. Review status: criteria provided, single submitter. Criteria: ACMG Guidelines, 2015. Collection method: clinical testing. Allele origin: unknown.